The following is an entry in ClinVar:

ClinVar aggregate classification (germline): Uncertain significance. Review status: criteria provided, multiple submitters, no conflicts (2 of 4 stars). 4 submissions from 4 submitters: Uncertain significance (4). Last evaluated 2024-07-25.

Conditions:
Cerebral creatine deficiency syndrome. Also called: Creatine deficiency syndromes. Identifiers: Orphanet 79172, MedGen C5244016, MONDO:0000456.
Deficiency of guanidinoacetate methyltransferase (CCDS2). Also called: Guanidinoacetate Methyltransferase (GAMT) Deficiency; GAMT DEFICIENCY; CEREBRAL CREATINE DEFICIENCY SYNDROME 2. Identifiers: Orphanet 382, MedGen C0574080, MONDO:0012999, OMIM 612736.
Inborn genetic diseases. Identifiers: MedGen C0950123, MeSH D030342.

Allele frequency attached by ClinVar (database versions not stated): TOPMed 0.00002; gnomAD exomes 0.00003 and 0.00004; gnomAD 0.00004 and 0.00005; ExAC 0.00005.

Submissions (4):

Ambry Genetics
Classification: Uncertain significance for Inborn genetic diseases. Last evaluated: 2024-07-25. Review status: criteria provided, single submitter. Criteria: Ambry Variant Classification Scheme 2023. Collection method: clinical testing. Allele origin: germline.

Labcorp Genetics (formerly Invitae), Labcorp
Classification: Uncertain significance for Cerebral creatine deficiency syndrome. Last evaluated: 2022-11-01. Review status: criteria provided, single submitter. Criteria: Invitae Variant Classification Sherloc (09022015). Collection method: clinical testing. Allele origin: germline.
Comment: This sequence change replaces serine, which is neutral and polar, with leucine, which is neutral and non-polar, at codon 140 of the GAMT protein (p.Ser140Leu). This variant is present in population databases (rs747656257, gnomAD 0.01%). This variant has not been reported in the literature in individuals affected with GAMT-related conditions. ClinVar contains an entry for this variant (Variation ID: 328347). Advanced modeling of protein sequence and biophysical properties (such as structural, functional, and spatial information, amino acid conservation, physicochemical variation, residue mobility, and thermodynamic stability) has been performed at Invitae for this missense variant, however the output from this modeling did not meet the statistical confidence thresholds required to predict the impact of this variant on GAMT protein function. In summary, the available evidence is currently insufficient to determine the role of this variant in disease. Therefore, it has been classified as a Variant of Uncertain Significance.

CeGaT Center for Human Genetics Tuebingen
Classification: Uncertain significance. Last evaluated: 2021-07-01. Review status: criteria provided, single submitter. Criteria: CeGaT Center For Human Genetics Tuebingen Variant Classification Criteria Version 2. Collection method: clinical testing. Allele origin: germline. Affected: yes. Observed: 1 variant allele.

Illumina Laboratory Services, Illumina
Classification: Uncertain significance for Deficiency of guanidinoacetate methyltransferase. Last evaluated: 2018-01-13. Review status: criteria provided, single submitter. Criteria: ICSL Variant Classification Criteria 13 December 2019. Collection method: clinical testing. Allele origin: germline.

NM_000156.6(GAMT):c.419C>T (p.Ser140Leu)

Gene: GAMT (guanidinoacetate N-methyltransferase; minus strand). Cytogenetic location: 19p13.3.
Variant type: single nucleotide variant.
Coding change: c.419C>T on transcript NM_000156.6 (MANE Select); coding-DNA position 419, C replaced by T.
Protein change: p.Ser140Leu; replaces serine 140 with leucine.
Molecular consequence: missense variant.
Genome position (GRCh38, 1-based): chr19:1,399,168, G>A on the plus strand (C>T on the coding strand, the complement: GAMT is on the minus strand). VCF-style: chr19-1399168-G-A. GRCh37 (hg19) VCF-style: chr19-1399167-G-A.
Other names: c.419C>T, p.Ser140Leu (NM_138924.3); short protein forms S140L.
Identifiers: ClinVar variation 328347 (VCV000328347.43), dbSNP rs747656257, ClinGen allele CA9043666.